The following is an entry in ClinVar:

ClinVar aggregate classification (germline): Conflicting classifications of pathogenicity. Review status: criteria provided, conflicting classifications (1 of 4 stars). 4 submissions from 4 submitters: Uncertain significance (3); Likely benign (1). Last evaluated 2025-10-05.

Conditions:
Hereditary cancer-predisposing syndrome. Also called: Hereditary neoplastic syndrome; Neoplastic Syndromes, Hereditary; Tumor predisposition; Hereditary Cancer Syndrome. Identifiers: Orphanet 140162, MedGen C0027672, MeSH D009386, MONDO:0015356.
Tuberous sclerosis 1 (TSC1). Identifiers: Orphanet 805, MedGen C1854465, MONDO:0008612, OMIM 191100.
Tuberous sclerosis syndrome (TSC). Also called: Tuberous Sclerosis Complex; Tuberous sclerosis. Identifiers: Orphanet 805, MedGen C0041341, MONDO:0001734.

Submissions (4):

Color Diagnostics, LLC DBA Color Health
Classification: Uncertain significance for Tuberous sclerosis syndrome. Last evaluated: 2025-10-05. Review status: criteria provided, single submitter. Criteria: ACMG Guidelines, 2015. Collection method: clinical testing. Allele origin: germline.
Comment: This missense variant replaces lysine with glutamine at codon 629 of the TSC1 protein. Computational prediction suggests that this variant may not impact protein structure and function. To our knowledge, functional studies have not been reported for this variant. This variant has not been reported in individuals affected with TSC1-related disorders in the literature. This variant has not been identified in the general population by the Genome Aggregation Database (gnomAD). The available evidence is insufficient to determine the role of this variant in disease conclusively. Therefore, this variant is classified as a Variant of Uncertain Significance.

Labcorp Genetics (formerly Invitae), Labcorp
Classification: Likely benign for Tuberous sclerosis 1. Last evaluated: 2025-07-23. Review status: criteria provided, single submitter. Criteria: Invitae Variant Classification Sherloc (09022015). Collection method: clinical testing. Allele origin: germline.

Ambry Genetics
Classification: Uncertain significance for Hereditary cancer-predisposing syndrome. Last evaluated: 2024-12-06. Review status: criteria provided, single submitter. Criteria: Ambry Variant Classification Scheme 2023. Collection method: clinical testing. Allele origin: germline.
Comment: The c.1884_1885delAAinsGC variant (also known as p.K629Q), located in coding exon 13 of the TSC1 gene, results from an in-frame deletion of AA and insertion of GC at nucleotide positions 1884 to 1885. This results in the substitution of the lysine residue for a glutamine residue at codon 629, an amino acid with similar properties. This amino acid position is not well conserved in available vertebrate species. In addition, this alteration is predicted to be neutral by in silico analysis (Choi Y et al. PLoS ONE. 2012; 7(10):e46688). Since supporting evidence is limited at this time, the clinical significance of this alteration remains unclear.

GeneDx
Classification: Uncertain significance. Last evaluated: 2024-01-02. Review status: criteria provided, single submitter. Criteria: GeneDx Variant Classification Process June 2021. Collection method: clinical testing. Allele origin: germline. Affected: yes.
Comment: Not observed at significant frequency in large population cohorts (gnomAD); In silico analysis supports that this variant does not alter protein structure/function; Has not been previously published as pathogenic or benign to our knowledge

NM_000368.5(TSC1):c.1884_1885delinsGC (p.Lys629Gln)

Gene: TSC1 (TSC complex subunit 1; minus strand). Cytogenetic location: 9q34.13.
Variant type: Indel.
Coding change: c.1884_1885delinsGC on transcript NM_000368.5 (MANE Select); coding-DNA positions 1884 to 1885, AA replaced by GC.
Protein change: p.Lys629Gln; replaces lysine 629 with glutamine.
Molecular consequence: missense variant.
Genome position (GRCh38, 1-based): chr9:132,905,693-132,905,694, TT replaced by GC on the plus strand (AA replaced by GC on the coding strand, the reverse complement: TSC1 is on the minus strand). VCF-style: chr9-132905693-TT-GC. GRCh37 (hg19) VCF-style: chr9-135781080-TT-GC.
Other names: c.1881_1882delinsGC, p.Lys628Gln (NM_001162426.2); c.1731_1732delinsGC, p.Lys578Gln (NM_001162427.2); c.1521_1522delinsGC, p.Lys508Gln (NM_001362177.2); c.1884_1885delAAinsGC (NM_000368.4); short protein forms K628Q, K629Q, K578Q, K508Q.
Identifiers: ClinVar variation 466047 (VCV000466047.14), dbSNP rs1554815756, ClinGen allele CA658656079.